The following is an entry in ClinVar:

ClinVar aggregate classification (germline): Pathogenic (1 of 4 stars; one submission).

Submission:

GeneDx
Classification: Pathogenic. Last evaluated: 2024-04-16. Review status: criteria provided, single submitter. Criteria: GeneDx Variant Classification Process June 2021. Collection method: clinical testing. Allele origin: germline. Affected: yes.
Comment: Nonsense variant predicted to result in protein truncation or nonsense mediated decay in a gene for which loss-of-function is a known mechanism of disease; Not observed at significant frequency in large population cohorts (gnomAD); Has not been previously published as pathogenic or benign to our knowledge; This variant is associated with the following publications: (PMID: 27535533)

NM_014991.6(WDFY3):c.235C>T (p.Gln79Ter)

Gene: WDFY3 (WD repeat and FYVE domain containing 3; minus strand). Cytogenetic location: 4q21.23.
Variant type: single nucleotide variant.
Coding change: c.235C>T on transcript NM_014991.6 (MANE Select); coding-DNA position 235, C replaced by T.
Protein change: p.Gln79Ter; replaces glutamine 79 with a stop codon.
Molecular consequence: nonsense.
Genome position (GRCh38, 1-based): chr4:84,849,971, G>A on the plus strand (C>T on the coding strand, the complement: WDFY3 is on the minus strand). VCF-style: chr4-84849971-G-A. GRCh37 (hg19) VCF-style: chr4-85771124-G-A.
Other names: short protein forms Q79*.
Identifiers: ClinVar variation 3364140 (VCV003364140.1).